The following is an entry in ClinVar:

NM_152415.3(VPS37A):c.950G>C (p.Arg317Thr)

Gene: VPS37A (VPS37A subunit of ESCRT-I; plus strand). Cytogenetic location: 8p22.
Variant type: single nucleotide variant.
Coding change: c.950G>C on transcript NM_152415.3 (MANE Select); coding-DNA position 950, G replaced by C.
Protein change: p.Arg317Thr; replaces arginine 317 with threonine.
Molecular consequence: missense variant.
Genome position (GRCh38, 1-based): chr8:17,280,424, G>C. VCF-style: chr8-17280424-G-C. GRCh37 (hg19) VCF-style: chr8-17137933-G-C.
Other names: c.875G>C, p.Arg292Thr (NM_001145152.2); c.932G>C, p.Arg311Thr (NM_001363167.1); c.680G>C, p.Arg227Thr (NM_001363168.1, NM_001363169.1); c.662G>C, p.Arg221Thr (NM_001363170.1, NM_001363171.1, NM_001363172.2); c.950G>C, p.Arg317Thr (NM_001363173.2); short protein forms R292T, R227T, R311T, R221T, R317T.
Identifiers: ClinVar variation 2187014 (VCV002187014.4), dbSNP rs200458295, ClinGen allele CA172953478.

ClinVar aggregate classification (germline): Uncertain significance (1 of 4 stars; one submission).

Conditions:
Hereditary spastic paraplegia 53. Also called: Spastic paraplegia 53, autosomal recessive. Identifiers: Orphanet 319199, MedGen C3539494, MONDO:0013962, OMIM 614898.

Allele frequency attached by ClinVar (database versions not stated): gnomAD exomes below 0.00001.
gnomAD v4.1: 1 of 1,608,386 alleles (0.000062%); highest among the groups gnomAD compares: African/African-American, 0.0013%; no homozygotes.

Submission:

Labcorp Genetics (formerly Invitae), Labcorp
Classification: Uncertain significance for Hereditary spastic paraplegia 53. Last evaluated: 2022-06-19. Review status: criteria provided, single submitter. Criteria: Invitae Variant Classification Sherloc (09022015). Collection method: clinical testing. Allele origin: germline.
Comment: In summary, the available evidence is currently insufficient to determine the role of this variant in disease. Therefore, it has been classified as a Variant of Uncertain Significance. This sequence change replaces arginine, which is basic and polar, with threonine, which is neutral and polar, at codon 317 of the VPS37A protein (p.Arg317Thr). This variant is not present in population databases (gnomAD no frequency). This variant has not been reported in the literature in individuals affected with VPS37A-related conditions. Algorithms developed to predict the effect of missense changes on protein structure and function are either unavailable or do not agree on the potential impact of this missense change (SIFT: "Deleterious"; PolyPhen-2: "Possibly Damaging"; Align-GVGD: "Class C0").